The following is an entry in ClinVar:

NM_015135.3(NUP205):c.4601G>A (p.Arg1534His)

Gene: NUP205 (nucleoporin 205; plus strand). Cytogenetic location: 7q33.
Variant type: single nucleotide variant.
Coding change: c.4601G>A on transcript NM_015135.3 (MANE Select); coding-DNA position 4601, G replaced by A.
Protein change: p.Arg1534His; replaces arginine 1534 with histidine.
Molecular consequence: missense variant.
Genome position (GRCh38, 1-based): chr7:135,625,285, G>A. VCF-style: chr7-135625285-G-A. GRCh37 (hg19) VCF-style: chr7-135310033-G-A.
Other names: c.3527G>A, p.Arg1176His (NM_001329434.2); c.4601G>A (NM_015135.2); short protein forms R1534H, R1176H.
Identifiers: ClinVar variation 2164824 (VCV002164824.5), dbSNP rs777822935, ClinGen allele CA4498920.

ClinVar aggregate classification (germline): Uncertain significance. Review status: criteria provided, multiple submitters, no conflicts (2 of 4 stars). 2 submissions from 2 submitters: Uncertain significance (2). Last evaluated 2024-01-08.

Allele frequency attached by ClinVar (database versions not stated): ExAC 0.00001; gnomAD 0.00001; TOPMed 0.00001.
gnomAD v4.1: 19 of 1,613,922 alleles (0.0012%); highest among the groups gnomAD compares: Admixed American, 0.0017%; no homozygotes.

Submissions (2):

Ambry Genetics
Classification: Uncertain significance. Last evaluated: 2024-01-08. Review status: criteria provided, single submitter. Criteria: Ambry Variant Classification Scheme 2023. Collection method: clinical testing. Allele origin: germline.

Labcorp Genetics (formerly Invitae), Labcorp
Classification: Uncertain significance. Last evaluated: 2022-06-26. Review status: criteria provided, single submitter. Criteria: Invitae Variant Classification Sherloc (09022015). Collection method: clinical testing. Allele origin: germline.
Comment: This sequence change replaces arginine, which is basic and polar, with histidine, which is basic and polar, at codon 1534 of the NUP205 protein (p.Arg1534His). This variant is present in population databases (rs777822935, gnomAD 0.0009%). This variant has not been reported in the literature in individuals affected with NUP205-related conditions. Algorithms developed to predict the effect of missense changes on protein structure and function output the following: SIFT: "Tolerated"; PolyPhen-2: "Benign"; Align-GVGD: "Class C0". The histidine amino acid residue is found in multiple mammalian species, which suggests that this missense change does not adversely affect protein function. In summary, the available evidence is currently insufficient to determine the role of this variant in disease. Therefore, it has been classified as a Variant of Uncertain Significance.